The following is an entry in ClinVar:

NM_001032283.3(TMPO):c.565+2014C>G

Gene: TMPO (thymopoietin; plus strand). Cytogenetic location: 12q23.1.
Variant type: single nucleotide variant.
Coding change: c.565+2014C>G on transcript NM_001032283.3 (MANE Select); 2014 bases into the intron after coding-DNA position 565, C replaced by G.
Molecular consequence: intron variant. On other transcripts: nonsense (1).
Genome position (GRCh38, 1-based): chr12:98,533,852, C>G. VCF-style: chr12-98533852-C-G. GRCh37 (hg19) VCF-style: chr12-98927630-C-G.
Other names: c.1595C>G, p.Ser532Ter (NM_003276.2); c.565+2014C>G (NM_001307975.2, NM_001032284.3); short protein forms S532*.
Identifiers: ClinVar variation 1471741 (VCV001471741.6), dbSNP rs2121208283, ClinGen allele CA386153539.

ClinVar aggregate classification (germline): Uncertain significance (1 of 4 stars; one submission).

Conditions:
Loeys-Dietz syndrome 2 (LDS2). Also called: TGFBR2-Related Loeys-Dietz Syndrome; Marfan Syndrome type 2; Marfan like connective tissue disorder; MFS 2; Marfan syndrome, type 2 (formerly); AORTIC ANEURYSM, FAMILIAL THORACIC 3. Identifiers: Orphanet 284973, Orphanet 558, MedGen C2674574, MONDO:0012427, OMIM 610168.

Submission:

Labcorp Genetics (formerly Invitae), Labcorp
Classification: Uncertain significance for Loeys-Dietz syndrome 2. Last evaluated: 2020-12-02. Review status: criteria provided, single submitter. Criteria: Invitae Variant Classification Sherloc (09022015). Collection method: clinical testing. Allele origin: germline.
Comment: In summary, the available evidence is currently insufficient to determine the role of this variant in disease. Therefore, it has been classified as a Variant of Uncertain Significance. Experimental studies and prediction algorithms are not available or were not evaluated, and the functional significance of this variant is currently unknown. This variant has not been reported in the literature in individuals with TMPO-related conditions. This variant is not present in population databases (ExAC no frequency). This sequence change creates a premature translational stop signal (p.Ser532*) in the TMPO gene. While this is not anticipated to result in nonsense mediated decay, it is expected to disrupt the last 163 amino acid(s) of the TMPO protein.